The following is an entry in ClinVar:

NM_001258392.3(CLPB):c.819G>C (p.Leu273Phe)

Gene: CLPB (ClpB family mitochondrial disaggregase; minus strand). Cytogenetic location: 11q13.4.
Variant type: single nucleotide variant.
Coding change: c.819G>C on transcript NM_001258392.3 (MANE Select); coding-DNA position 819, G replaced by C.
Protein change: p.Leu273Phe; replaces leucine 273 with phenylalanine.
Molecular consequence: missense variant.
Genome position (GRCh38, 1-based): chr11:72,329,761, C>G on the plus strand (G>C on the coding strand, the complement: CLPB is on the minus strand). VCF-style: chr11-72329761-C-G. GRCh37 (hg19) VCF-style: chr11-72040805-C-G.
Other names: c.732G>C, p.Leu244Phe (NM_001258393.3); c.774G>C, p.Leu258Phe (NM_001258394.3); c.909G>C, p.Leu303Phe (NM_030813.6); short protein forms L303F, L273F, L244F, L258F.
Identifiers: ClinVar variation 575504 (VCV000575504.23), dbSNP rs368150943, ClinGen allele CA6171367.

ClinVar aggregate classification (germline): Conflicting classifications of pathogenicity. Review status: criteria provided, conflicting classifications (1 of 4 stars). 2 submissions from 2 submitters: Uncertain significance (1); Likely benign (1). Last evaluated 2025-12-23.

Conditions:
3-methylglutaconic aciduria, type VIIB (MGCA7B). Also called: CLPB Deficiency; 3-methylglutaconic aciduria with cataracts, neurologic involvement and neutropenia; 3-methylglutaconic aciduria, type VII, with cataracts, neurologic involvement and neutropenia. Identifiers: Orphanet 445038, MedGen C5676893, MONDO:0014561, OMIM 616271.

Allele frequency attached by ClinVar (database versions not stated): gnomAD exomes 0.00001 and 0.00006; ExAC 0.00002; gnomAD 0.00002; TOPMed 0.00002; ESP Exome Variant Server 0.00008.
gnomAD v4.1: 82 of 1,613,798 alleles (0.0051%); highest among the groups gnomAD compares: Non-Finnish European, 0.0067%; 1 homozygote.

Submissions (2):

Labcorp Genetics (formerly Invitae), Labcorp
Classification: Uncertain significance for 3-methylglutaconic aciduria, type VIIB. Last evaluated: 2025-12-23. Review status: criteria provided, single submitter. Criteria: Invitae Variant Classification Sherloc (09022015). Collection method: clinical testing. Allele origin: germline.
Comment: This sequence change replaces leucine, which is neutral and non-polar, with phenylalanine, which is neutral and non-polar, at codon 303 of the CLPB protein (p.Leu303Phe). This variant is present in population databases (rs368150943, gnomAD 0.01%). This variant has not been reported in the literature in individuals affected with CLPB-related conditions. ClinVar contains an entry for this variant (Variation ID: 575504). An algorithm developed to predict the effect of missense changes on protein structure and function (PolyPhen-2) suggests that this variant is likely to be tolerated. In summary, the available evidence is currently insufficient to determine the role of this variant in disease. Therefore, it has been classified as a Variant of Uncertain Significance.

CeGaT Center for Human Genetics Tuebingen
Classification: Likely benign. Last evaluated: 2025-01-01. Review status: criteria provided, single submitter. Criteria: CeGaT Center For Human Genetics Tuebingen Variant Classification Criteria Version 2. Collection method: clinical testing. Allele origin: germline. Affected: yes. Observed: 2 variant alleles.
Comment: CLPB: BP4